The following is an entry in ClinVar:

ClinVar aggregate classification (germline): Uncertain significance (1 of 4 stars; one submission).

Conditions:
Peroxisome biogenesis disorder 3A (Zellweger). Also called: Peroxisome biogenesis disorder 3A; PEROXISOMAL BIOGENESIS DISORDER 3A (ZELLWEGER). Identifiers: Orphanet 912, MedGen C3553929, MONDO:0013927, OMIM 614859.

Submission:

Labcorp Genetics (formerly Invitae), Labcorp
Classification: Uncertain significance for Peroxisome biogenesis disorder 3A. Last evaluated: 2018-08-27. Review status: criteria provided, single submitter. Criteria: Invitae Variant Classification Sherloc (09022015). Collection method: clinical testing. Allele origin: germline.
Comment: This variant results in a copy number gain of the genomic region encompassing the full coding sequence of the PEX12 gene. The boundaries of this event are unknown as they extend beyond the assayed region for this gene and therefore may encompass additional genes. As the precise location of this event is unknown, it may be in tandem or it may be located elsewhere in the genome. This variant has not been reported in the literature in individuals with PEX12-related disease. In summary, the available evidence is currently insufficient to determine the role of this variant in disease. Therefore, it has been classified as a Variant of Uncertain Significance.

NC_000017.10:g.(?_33902781)_(33905060_?)dup

Gene: PEX12 (peroxisomal biogenesis factor 12; minus strand). Cytogenetic location: 17q12.
Variant type: Duplication.
Identifiers: ClinVar variation 656810 (VCV000656810.2).